The following is an entry in ClinVar:

ClinVar aggregate classification (germline): Conflicting classifications of pathogenicity. Review status: criteria provided, conflicting classifications (1 of 4 stars). 6 submissions from 6 submitters: Uncertain significance (5); Likely benign (1). Last evaluated 2025-11-10.

Conditions:
Prostate cancer. Also called: Malignant tumor of prostate. Identifiers: Orphanet 1331, MedGen C0376358, MONDO:0008315, HP:0012125.
Medulloblastoma (MDB). Also called: MEDULLOBLASTOMA PREDISPOSITION SYNDROME; Medulloblastoma, somatic. Identifiers: Orphanet 616, MedGen C0025149, MeSH D008527, MONDO:0007959, OMIM 155255, HP:0002885.
Familial cancer of breast. Also called: BREAST CANCER, FAMILIAL; Hereditary breast cancer; hereditary breast carcinoma. Identifiers: Orphanet 227535, MedGen C0346153, MONDO:0016419, OMIM 114480. Disease mechanism: loss of function.
Breast-ovarian cancer, familial, susceptibility to, 2 (BROVCA2). Also called: BRCA2 Hereditary Breast and Ovarian Cancer. Identifiers: Orphanet 145, MedGen C2675520, MONDO:0012933, OMIM 612555. Disease mechanism: loss of function.
Fanconi anemia complementation group D1. Also called: BRCA2-Related Fanconi Anemia. Identifiers: Orphanet 319462, MedGen C1838457, MONDO:0011584, OMIM 605724.
Wilms tumor 1 (WT1). Also called: Wilms tumor, somatic. Identifiers: Orphanet 654, MedGen CN033288, MONDO:0008679, OMIM 194070.
Pancreatic cancer, susceptibility to, 2. Identifiers: Orphanet 1333, MedGen C3150546, MONDO:0013235, OMIM 613347.
Glioma susceptibility 3 (GLM3). Also called: Glioblastoma 3. Identifiers: Orphanet 182067, Orphanet 360, MedGen C2751641, MONDO:0013093, OMIM 613029.
Hereditary breast ovarian cancer syndrome. Also called: Hereditary breast and ovarian cancer syndrome; Breast and ovarian cancer; Hereditary breast and/or ovarian cancer syndrome; Hereditary breast and ovarian cancer syndrome (HBOC); BRCA1- and BRCA2-Associated Hereditary Breast and Ovarian Cancer; Hereditary breast and ovarian cancer. Identifiers: Orphanet 145, MedGen C0677776, MeSH D061325, MONDO:0003582. Disease mechanism: loss of function.
Hereditary cancer-predisposing syndrome. Also called: Hereditary Cancer Syndrome; Hereditary neoplastic syndrome; Neoplastic Syndromes, Hereditary; Tumor predisposition. Identifiers: Orphanet 140162, MedGen C0027672, MeSH D009386, MONDO:0015356.

gnomAD v4.1: 1 of 1,610,194 alleles (0.000062%); highest among the groups gnomAD compares: Non-Finnish European, 0.000085%; no homozygotes.

Submissions (6):

Labcorp Genetics (formerly Invitae), Labcorp
Classification: Uncertain significance for Hereditary breast ovarian cancer syndrome. Last evaluated: 2025-11-10. Review status: criteria provided, single submitter. Criteria: Invitae Variant Classification Sherloc (09022015). Collection method: clinical testing. Allele origin: germline.
Comment: This sequence change replaces aspartic acid, which is acidic and polar, with glutamic acid, which is acidic and polar, at codon 635 of the BRCA2 protein (p.Asp635Glu). This variant is not present in population databases (gnomAD no frequency). This variant has not been reported in the literature in individuals affected with BRCA2-related conditions. ClinVar contains an entry for this variant (Variation ID: 462246). Invitae Evidence Modeling of protein sequence and biophysical properties (such as structural, functional, and spatial information, amino acid conservation, physicochemical variation, residue mobility, and thermodynamic stability) indicates that this missense variant is not expected to disrupt BRCA2 protein function with a negative predictive value of 95%. In summary, the available evidence is currently insufficient to determine the role of this variant in disease. Therefore, it has been classified as a Variant of Uncertain Significance.

Ambry Genetics
Classification: Uncertain significance for Hereditary cancer-predisposing syndrome. Last evaluated: 2025-04-24. Review status: criteria provided, single submitter. Criteria: Ambry Variant Classification Scheme 2023. Collection method: clinical testing. Allele origin: germline.
Comment: The p.D635E variant (also known as c.1905T>G), located in coding exon 9 of the BRCA2 gene, results from a T to G substitution at nucleotide position 1905. The aspartic acid at codon 635 is replaced by glutamic acid, an amino acid with highly similar properties. This variant was identified amongst a cohort of 3984 Chinese women with a breast cancer diagnosis undergoing BRCA1/2 genetic testing (Yao L et al. J Hum Genet, 2022 Nov;67:639-642). This amino acid position is poorly conserved in available vertebrate species. In addition, this alteration is predicted to be tolerated by in silico analysis. Based on the available evidence, the clinical significance of this variant remains unclear.

GeneDx
Classification: Uncertain significance. Last evaluated: 2023-10-27. Review status: criteria provided, single submitter. Criteria: GeneDx Variant Classification Process June 2021. Collection method: clinical testing. Allele origin: germline. Affected: yes.
Comment: Not observed at significant frequency in large population cohorts (gnomAD); In silico analysis supports that this missense variant does not alter protein structure/function; Has not been previously published as pathogenic or benign to our knowledge; Also known as 2133T>G

University of Washington Department of Laboratory Medicine, University of Washington
Classification: Likely benign for Hereditary cancer-predisposing syndrome. Last evaluated: 2023-03-23. Review status: criteria provided, single submitter. Criteria: Dines et al. (Genet Med. 2020). Collection method: curation. Allele origin: germline.
Comment: Missense variant in a coldspot region where missense variants are very unlikely to be pathogenic (PMID:31911673).

BRCA2 exon 10 coldspot. Reclassification based on statistical prior probability.

Fulgent Genetics
Classification: Uncertain significance for Familial cancer of breast; Medulloblastoma; Familial prostate cancer; Wilms tumor 1; Fanconi anemia complementation group D1; Breast-ovarian cancer, familial, susceptibility to, 2; Glioma susceptibility 3; Pancreatic cancer, susceptibility to, 2. Last evaluated: 2022-01-13. Review status: criteria provided, single submitter. Criteria: ACMG Guidelines, 2015. Collection method: clinical testing. Allele origin: unknown.

Color Diagnostics, LLC DBA Color Health
Classification: Uncertain significance for Hereditary cancer-predisposing syndrome. Last evaluated: 2021-04-30. Review status: criteria provided, single submitter. Criteria: ACMG Guidelines, 2015. Collection method: clinical testing. Allele origin: germline.
Comment: This missense variant replaces aspartic acid with glutamic acid at codon 635 of the BRCA2 protein. Computational prediction suggests that this variant may not impact protein structure and function (internally defined REVEL score threshold <= 0.5, PMID: 27666373). To our knowledge, functional studies have not been reported for this variant. This variant has been reported in one individual affected with breast cancer (PMID: 33471991; Leiden Open Variation Database DB-ID BRCA2_007905). This variant has not been identified in the general population by the Genome Aggregation Database (gnomAD). The available evidence is insufficient to determine the role of this variant in disease conclusively. Therefore, this variant is classified as a Variant of Uncertain Significance.

Literature cited by the submitters: PubMed 33193653 (cited by Ambry Genetics); PubMed 35864222 (cited by Ambry Genetics).

NM_000059.4(BRCA2):c.1905T>G (p.Asp635Glu)

Gene: BRCA2 (BRCA2 DNA repair associated; plus strand). Cytogenetic location: 13q13.1.
Variant type: single nucleotide variant.
Coding change: c.1905T>G on transcript NM_000059.4 (MANE Select); coding-DNA position 1905, T replaced by G.
Protein change: p.Asp635Glu; replaces aspartic acid 635 with glutamic acid.
Molecular consequence: missense variant.
Genome position (GRCh38, 1-based): chr13:32,333,383, T>G. VCF-style: chr13-32333383-T-G. GRCh37 (hg19) VCF-style: chr13-32907520-T-G.
Other names: short protein forms D635E.
Identifiers: ClinVar variation 462246 (VCV000462246.18), dbSNP rs1555282154, ClinGen allele CA387767364.